The following is an entry in ClinVar:

ClinVar aggregate classification (germline): Uncertain significance (1 of 4 stars; one submission).

Submission:

Ambry Genetics
Classification: Uncertain significance. Last evaluated: 2024-05-31. Review status: criteria provided, single submitter. Criteria: Ambry Variant Classification Scheme 2023. Collection method: clinical testing. Allele origin: germline.
Comment: The p.T1299R variant (also known as c.3896C>G), located in coding exon 16 of the POLQ gene, results from a C to G substitution at nucleotide position 3896. The threonine at codon 1299 is replaced by arginine, an amino acid with similar properties. This amino acid position is conserved. In addition, this alteration is predicted to be tolerated by in silico analysis. Based on the available evidence, the clinical significance of this variant remains unclear.

NM_199420.4(POLQ):c.3896C>G (p.Thr1299Arg)

Gene: POLQ (DNA polymerase theta; minus strand). Cytogenetic location: 3q13.33.
Variant type: single nucleotide variant.
Coding change: c.3896C>G on transcript NM_199420.4 (MANE Select); coding-DNA position 3896, C replaced by G.
Protein change: p.Thr1299Arg; replaces threonine 1299 with arginine.
Molecular consequence: missense variant.
Genome position (GRCh38, 1-based): chr3:121,489,035, G>C on the plus strand (C>G on the coding strand, the complement: POLQ is on the minus strand). VCF-style: chr3-121489035-G-C. GRCh37 (hg19) VCF-style: chr3-121207882-G-C.
Other names: short protein forms T1299R.
Identifiers: ClinVar variation 3308711 (VCV003308711.1).
Genomic context (GRCh38, chr3:121,489,035, plus strand): 5'-TCAAAATCACAGAGGACTAAACCTAAGTCAGAAACATGATTATTTTTAGTTTTGTTTGTT[G>C]TATAAGTACCTGTTTTTTCTTGTAGTCTAGAAATATTTAGAAAATTCTCATGCTGGCCTT-3'
Protein context (NP_955452.3, residues 1289-1309): SRLQEKTGTY[Thr1299Arg]TNKTKNNHVS